The following is an entry in ClinVar:

ClinVar aggregate classification (germline): Likely benign (1 of 4 stars; one submission).

Allele frequency attached by ClinVar (database versions not stated): ESP Exome Variant Server 0.00046; 1000 Genomes Project 30x 0.00047; 1000 Genomes Project 0.00060.
gnomAD v4.1: 2,126 of 1,610,468 alleles (0.13%); highest among the groups gnomAD compares: Non-Finnish European, 0.17%; 1 homozygote.

Submission:

CeGaT Center for Human Genetics Tuebingen
Classification: Likely benign. Last evaluated: 2023-03-01. Review status: criteria provided, single submitter. Criteria: CeGaT Center For Human Genetics Tuebingen Variant Classification Criteria Version 2. Collection method: clinical testing. Allele origin: germline. Affected: yes. Observed: 1 variant allele.
Comment: CDHR2: BP4, BP7

NM_017675.6(CDHR2):c.1188G>A (p.Pro396=)

Gene: CDHR2 (cadherin related family member 2; plus strand). Cytogenetic location: 5q35.2.
Variant type: single nucleotide variant.
Coding change: c.1188G>A on transcript NM_017675.6 (MANE Select); coding-DNA position 1188, G replaced by A.
Protein change: p.Pro396=; no amino-acid change (proline 396 retained).
Molecular consequence: synonymous variant.
Genome position (GRCh38, 1-based): chr5:176,576,179, G>A. VCF-style: chr5-176576179-G-A. GRCh37 (hg19) VCF-style: chr5-176003180-G-A.
Other names: c.1188G>A, p.Pro396= (NM_001171976.2).
Identifiers: ClinVar variation 2656088 (VCV002656088.24), dbSNP rs147274233, ClinGen allele CA3570425.